The following is an entry in ClinVar:

NM_000531.6(OTC):c.437C>T (p.Ser146Leu)

Gene: OTC (ornithine transcarbamylase; plus strand). Cytogenetic location: Xp11.4.
Variant type: single nucleotide variant.
Coding change: c.437C>T on transcript NM_000531.6 (MANE Select); coding-DNA position 437, C replaced by T.
Protein change: p.Ser146Leu; replaces serine 146 with leucine.
Molecular consequence: missense variant.
Genome position (GRCh38, 1-based): chrX:38,401,325, C>T. VCF-style: chrX-38401325-C-T. GRCh37 (hg19) VCF-style: chrX-38260578-C-T.
Other names: c.437C>T, p.Ser146Leu (NM_001407092.1); short protein forms S146L.
Identifiers: ClinVar variation 3634885 (VCV003634885.2).

ClinVar aggregate classification (germline): Uncertain significance (1 of 4 stars; one submission).

Conditions:
Ornithine carbamoyltransferase deficiency (OTCD). Also called: ORNITHINE TRANSCARBAMYLASE DEFICIENCY; ORNITHINE TRANSCARBAMYLASE DEFICIENCY, HYPERAMMONEMIA DUE TO; Ornithine Carbamoyltransferase Deficiency Disease; OTC DEFICIENCY. Identifiers: Orphanet 664, MedGen C0268542, MONDO:0010703, OMIM 311250.

Submission:

Labcorp Genetics (formerly Invitae), Labcorp
Classification: Uncertain significance for Ornithine carbamoyltransferase deficiency. Last evaluated: 2024-12-05. Review status: criteria provided, single submitter. Criteria: Invitae Variant Classification Sherloc (09022015). Collection method: clinical testing. Allele origin: germline.
Comment: This sequence change replaces serine, which is neutral and polar, with leucine, which is neutral and non-polar, at codon 146 of the OTC protein (p.Ser146Leu). This variant is not present in population databases (gnomAD no frequency). This variant has not been reported in the literature in individuals affected with OTC-related conditions. Invitae Evidence Modeling of protein sequence and biophysical properties (such as structural, functional, and spatial information, amino acid conservation, physicochemical variation, residue mobility, and thermodynamic stability) indicates that this missense variant is expected to disrupt OTC protein function with a positive predictive value of 95%. In summary, the available evidence is currently insufficient to determine the role of this variant in disease. Therefore, it has been classified as a Variant of Uncertain Significance.